The following is an entry in ClinVar:

NM_000465.4(BARD1):c.1602A>G (p.Thr534=)

Gene: BARD1 (BRCA1 associated RING domain 1; minus strand). Cytogenetic location: 2q35.
Variant type: single nucleotide variant.
Coding change: c.1602A>G on transcript NM_000465.4 (MANE Select); coding-DNA position 1602, A replaced by G.
Protein change: p.Thr534=; no amino-acid change (threonine 534 retained).
Molecular consequence: synonymous variant. On other transcripts: non-coding transcript variant (3), intron variant (1).
Genome position (GRCh38, 1-based): chr2:214,752,522, T>C on the plus strand (A>G on the coding strand, the complement: BARD1 is on the minus strand). VCF-style: chr2-214752522-T-C. GRCh37 (hg19) VCF-style: chr2-215617246-T-C.
Other names: c.1545A>G, p.Thr515= (NM_001282543.2); c.249A>G, p.Thr83= (NM_001282545.2); c.192A>G, p.Thr64= (NM_001282548.2); c.365-22014A>G (NM_001282549.2); c.1602A>G (NM_000465.2).
Identifiers: ClinVar variation 530235 (VCV000530235.13), dbSNP rs1553616398, ClinGen allele CA431147907.
Genomic context (GRCh38, chr2:214,752,522, plus strand): 5'-AGCTGAGGATGATTCATTCTTCTCTGGTAGCAGCAATAGCGATTTCATACTTTCATCATC[T>C]GTATAATCGACAGGCCGCAGACCAAATATATTACTGGTAAAATAAGTGCAGATGTGTTTA-3'
Protein context (NP_000456.2, residues 524-544): NIFGLRPVDY[Thr534=]DDESMKSLLL

ClinVar aggregate classification (germline): Benign/Likely benign. Review status: criteria provided, multiple submitters, no conflicts (2 of 4 stars). 3 submissions from 3 submitters: Benign (1); Likely benign (2). Last evaluated 2024-12-22.

Conditions:
Hereditary cancer-predisposing syndrome. Also called: Hereditary neoplastic syndrome; Neoplastic Syndromes, Hereditary; Hereditary Cancer Syndrome; Tumor predisposition. Identifiers: Orphanet 140162, MedGen C0027672, MeSH D009386, MONDO:0015356.
Familial cancer of breast. Also called: BREAST CANCER, FAMILIAL; Hereditary breast cancer; hereditary breast carcinoma. Identifiers: Orphanet 227535, MedGen C0346153, MONDO:0016419, OMIM 114480. Disease mechanism: loss of function.

Submissions (3):

Ambry Genetics
Classification: Likely benign for Hereditary cancer-predisposing syndrome. Last evaluated: 2024-12-22. Review status: criteria provided, single submitter. Criteria: Ambry Variant Classification Scheme 2023. Collection method: clinical testing. Allele origin: germline.

Myriad Genetics, Inc.
Classification: Benign for Familial cancer of breast. Last evaluated: 2024-07-26. Review status: criteria provided, single submitter. Criteria: Myriad Autosomal Dominant, Autosomal Recessive and X-Linked Classification Criteria (2023). Collection method: clinical testing. Allele origin: unknown.
Comment: This variant is considered benign. This variant is a silent/synonymous amino acid change and it is not expected to impact splicing.

Labcorp Genetics (formerly Invitae), Labcorp
Classification: Likely benign for Familial cancer of breast. Last evaluated: 2022-01-14. Review status: criteria provided, single submitter. Criteria: Invitae Variant Classification Sherloc (09022015). Collection method: clinical testing. Allele origin: germline.